The following is an entry in ClinVar:

ClinVar aggregate classification (germline): Likely benign. Review status: criteria provided, multiple submitters, no conflicts (2 of 4 stars). 2 submissions from 2 submitters: Likely benign (2). Last evaluated 2026-04-14.

Conditions:
DICER1-related tumor predisposition. Also called: DICER1-related pleuropulmonary blastoma cancer predisposition syndrome; DICER1 syndrome. Identifiers: Orphanet 284343, MedGen C3839822, MONDO:0100216.

Allele frequency attached by ClinVar (database versions not stated): ExAC 0.00001; gnomAD 0.00001; TOPMed 0.00005; ESP Exome Variant Server 0.00015; gnomAD exomes 0.00001.
gnomAD v4.1: 24 of 1,613,914 alleles (0.0015%); highest among the groups gnomAD compares: Admixed American, 0.005%; no homozygotes.

Submissions (2):

Myriad Genetics, Inc.
Classification: Likely benign for DICER1-related tumor predisposition. Last evaluated: 2026-04-14. Review status: criteria provided, single submitter. Criteria: Myriad Autosomal Dominant, Autosomal Recessive and X-Linked Classification Criteria (2023). Collection method: clinical testing. Allele origin: unknown.
Comment: This variant is considered likely benign. This variant is intronic and is not expected to impact mRNA splicing.

Labcorp Genetics (formerly Invitae), Labcorp
Classification: Likely benign for DICER1-related tumor predisposition. Last evaluated: 2025-12-20. Review status: criteria provided, single submitter. Criteria: Invitae Variant Classification Sherloc (09022015). Collection method: clinical testing. Allele origin: germline.

NM_177438.3(DICER1):c.5365-16T>C

Gene: DICER1 (dicer 1, ribonuclease III; minus strand). Cytogenetic location: 14q32.13.
Variant type: single nucleotide variant.
Coding change: c.5365-16T>C on transcript NM_177438.3 (MANE Select); 16 bases into the intron before coding-DNA position 5365, T replaced by C.
Molecular consequence: intron variant.
Genome position (GRCh38, 1-based): chr14:95,091,381, A>G on the plus strand (T>C on the coding strand, the complement: DICER1 is on the minus strand). VCF-style: chr14-95091381-A-G. GRCh37 (hg19) VCF-style: chr14-95557718-A-G.
Other names: c.5365-16T>C (NM_001291628.2, NM_030621.4, NM_001271282.3); c.5365-272T>C (NM_001195573.1).
Identifiers: ClinVar variation 1540048 (VCV001540048.10), dbSNP rs371099251, ClinGen allele CA7330674.